The following is an entry in ClinVar:

NM_000037.4(ANK1):c.4056C>T (p.Thr1352=)

Gene: ANK1 (ankyrin 1; minus strand). Cytogenetic location: 8p11.21.
Variant type: single nucleotide variant.
Coding change: c.4056C>T on transcript NM_000037.4 (MANE Select); coding-DNA position 4056, C replaced by T.
Protein change: p.Thr1352=; no amino-acid change (threonine 1352 retained).
Molecular consequence: synonymous variant.
Genome position (GRCh38, 1-based): chr8:41,690,275, G>A on the plus strand (C>T on the coding strand, the complement: ANK1 is on the minus strand). VCF-style: chr8-41690275-G-A. GRCh37 (hg19) VCF-style: chr8-41547793-G-A.
Other names: c.4179C>T, p.Thr1393= (NM_001142446.2); c.4056C>T, p.Thr1352= (NM_020475.3, NM_020476.3, NM_020477.3).
Identifiers: ClinVar variation 2658570 (VCV002658570.24), dbSNP rs142056143, ClinGen allele CA175925128.

ClinVar aggregate classification (germline): Likely benign (1 of 4 stars; one submission).

Allele frequency attached by ClinVar (database versions not stated): TOPMed 0.00001; gnomAD 0.00002; ESP Exome Variant Server 0.00008.
gnomAD v4.1: 16 of 1,614,094 alleles (0.00099%); highest among the groups gnomAD compares: Non-Finnish European, 0.0014%; no homozygotes.

Submission:

CeGaT Center for Human Genetics Tuebingen
Classification: Likely benign. Last evaluated: 2023-03-01. Review status: criteria provided, single submitter. Criteria: CeGaT Center For Human Genetics Tuebingen Variant Classification Criteria Version 2. Collection method: clinical testing. Allele origin: germline. Affected: yes. Observed: 1 variant allele.
Comment: ANK1: BP4, BP7